The following is an entry in ClinVar:

ClinVar aggregate classification (germline): Uncertain significance (1 of 4 stars; one submission).

Allele frequency attached by ClinVar (database versions not stated): TOPMed below 0.00001.

Submission:

Labcorp Genetics (formerly Invitae), Labcorp
Classification: Uncertain significance. Last evaluated: 2025-10-23. Review status: criteria provided, single submitter. Criteria: Invitae Variant Classification Sherloc (09022015). Collection method: clinical testing. Allele origin: germline.
Comment: This sequence change replaces serine, which is neutral and polar, with phenylalanine, which is neutral and non-polar, at codon 552 of the ZSWIM6 protein (p.Ser552Phe). This variant is not present in population databases (gnomAD no frequency). This variant has not been reported in the literature in individuals affected with ZSWIM6-related conditions. ClinVar contains an entry for this variant (Variation ID: 1387696). An algorithm developed to predict the effect of missense changes on protein structure and function (PolyPhen-2) suggests that this variant is likely to be tolerated. In summary, the available evidence is currently insufficient to determine the role of this variant in disease. Therefore, it has been classified as a Variant of Uncertain Significance.

NM_020928.2(ZSWIM6):c.1655C>T (p.Ser552Phe)

Gene: ZSWIM6 (zinc finger SWIM-type containing 6; plus strand). Cytogenetic location: 5q12.1.
Variant type: single nucleotide variant.
Coding change: c.1655C>T on transcript NM_020928.2 (MANE Select); coding-DNA position 1655, C replaced by T.
Protein change: p.Ser552Phe; replaces serine 552 with phenylalanine.
Molecular consequence: missense variant.
Genome position (GRCh38, 1-based): chr5:61,525,941, C>T. VCF-style: chr5-61525941-C-T. GRCh37 (hg19) VCF-style: chr5-60821768-C-T.
Other names: short protein forms S552F.
Identifiers: ClinVar variation 1387696 (VCV001387696.6), dbSNP rs1749265374, ClinGen allele CA359943561.